The following is an entry in ClinVar:

ClinVar aggregate classification (germline): Uncertain significance (1 of 4 stars; one submission).

Submission:

Labcorp Genetics (formerly Invitae), Labcorp
Classification: Uncertain significance. Last evaluated: 2021-11-23. Review status: criteria provided, single submitter. Criteria: Invitae Variant Classification Sherloc (09022015). Collection method: clinical testing. Allele origin: germline.
Comment: In summary, the available evidence is currently insufficient to determine the role of this variant in disease. Therefore, it has been classified as a Variant of Uncertain Significance. Algorithms developed to predict the effect of missense changes on protein structure and function output the following: SIFT: "Tolerated"; PolyPhen-2: "Not Available"; Align-GVGD: "Class C0". The asparagine amino acid residue is found in multiple mammalian species, which suggests that this missense change does not adversely affect protein function. This variant has not been reported in the literature in individuals affected with PCLO-related conditions. This variant is not present in population databases (gnomAD no frequency). This sequence change replaces serine, which is neutral and polar, with asparagine, which is neutral and polar, at codon 993 of the PCLO protein (p.Ser993Asn).

NM_033026.6(PCLO):c.2978G>A (p.Ser993Asn)

Gene: PCLO (piccolo presynaptic cytomatrix protein; minus strand). Cytogenetic location: 7q21.11.
Variant type: single nucleotide variant.
Coding change: c.2978G>A on transcript NM_033026.6 (MANE Select); coding-DNA position 2978, G replaced by A.
Protein change: p.Ser993Asn; replaces serine 993 with asparagine.
Molecular consequence: missense variant.
Genome position (GRCh38, 1-based): chr7:83,134,572, C>T on the plus strand (G>A on the coding strand, the complement: PCLO is on the minus strand). VCF-style: chr7-83134572-C-T. GRCh37 (hg19) VCF-style: chr7-82763888-C-T.
Other names: c.2978G>A, p.Ser993Asn (NM_014510.3); short protein forms S993N.
Identifiers: ClinVar variation 1490496 (VCV001490496.6), dbSNP rs2116614601, ClinGen allele CA367898118.
Genomic context (GRCh38, chr7:83,134,572, plus strand): 5'-TCAGCTTTGGGCTCTAATTTTTCAGCTGCTGGGGCTTTTGTTTCCTTTTTCACAGGTATA[C>T]TTTTTGCAGGTGCTGGTGGTGCTTGACCTGTGGATTTGGGTGGCCCTTGTGAAGTAGGTG-3'
Protein context (NP_149015.2, residues 983-1003): TGQAPPAPAK[Ser993Asn]IPVKKETKAP